The following is an entry in ClinVar:

NM_001035.3(RYR2):c.3402C>T (p.Ala1134=)

Gene: RYR2 (ryanodine receptor 2; plus strand). Cytogenetic location: 1q43.
Variant type: single nucleotide variant.
Coding change: c.3402C>T on transcript NM_001035.3 (MANE Select); coding-DNA position 3402, C replaced by T.
Protein change: p.Ala1134=; no amino-acid change (alanine 1134 retained).
Molecular consequence: synonymous variant.
Genome position (GRCh38, 1-based): chr1:237,566,754, C>T. VCF-style: chr1-237566754-C-T. GRCh37 (hg19) VCF-style: chr1-237730054-C-T.
Identifiers: ClinVar variation 3069746 (VCV003069746.3), dbSNP rs773072283, ClinGen allele CA086362.

ClinVar aggregate classification (germline): Likely benign. Review status: criteria provided, multiple submitters, no conflicts (2 of 4 stars). 2 submissions from 2 submitters: Likely benign (2). Last evaluated 2024-12-23.

Conditions:
Catecholaminergic polymorphic ventricular tachycardia (CVPT). Also called: Catecholamine-induced polymorphic ventricular tachycardia. Identifiers: Orphanet 3286, MedGen C5574922, MONDO:0017990.
Catecholaminergic polymorphic ventricular tachycardia 1. Also called: RYR2-Related Catecholaminergic Polymorphic Ventricular Tachycardia; VENTRICULAR TACHYCARDIA, STRESS-INDUCED POLYMORPHIC 1; VENTRICULAR TACHYCARDIA, CATECHOLAMINERGIC POLYMORPHIC, 1, WITH OR WITHOUT ATRIAL DYSFUNCTION AND/OR DILATED CARDIOMYOPATHY. Identifiers: Orphanet 3286, MedGen C1631597, MONDO:0011484, OMIM 604772.

Allele frequency attached by ClinVar (database versions not stated): gnomAD exomes below 0.00001; ExAC 0.00001.
gnomAD v4.1: 1 of 1,613,950 alleles (0.000062%); highest among the groups gnomAD compares: Non-Finnish European, 0.000085%; no homozygotes.

Submissions (2):

Labcorp Genetics (formerly Invitae), Labcorp
Classification: Likely benign for Catecholaminergic polymorphic ventricular tachycardia 1. Last evaluated: 2024-12-23. Review status: criteria provided, single submitter. Criteria: Invitae Variant Classification Sherloc (09022015). Collection method: clinical testing. Allele origin: germline.

All of Us Research Program, National Institutes of Health
Classification: Likely benign for Catecholaminergic polymorphic ventricular tachycardia. Last evaluated: 2023-03-07. Review status: criteria provided, single submitter. Criteria: ACMG Guidelines, 2015. Collection method: clinical testing. Allele origin: germline. Inheritance: Autosomal dominant inheritance. Observed: 1 variant allele, 1 heterozygote.
Comment: This study involves interpretation of variants in research participants for the purpose of population health screening. Participant phenotype was not available at the time of variant classification. Additional details can be found in publication PMID: 35346344, PMCID: PMC8962531